The following is an entry in ClinVar:

NM_000155.4(GALT):c.19G>T (p.Asp7Tyr)

Gene: GALT (galactose-1-phosphate uridylyltransferase; plus strand). Cytogenetic location: 9p13.3.
Variant type: single nucleotide variant.
Coding change: c.19G>T on transcript NM_000155.4 (MANE Select); coding-DNA position 19, G replaced by T.
Protein change: p.Asp7Tyr; replaces aspartic acid 7 with tyrosine.
Molecular consequence: missense variant. On other transcripts: 5 prime UTR variant (1).
Genome position (GRCh38, 1-based): chr9:34,646,723, G>T. VCF-style: chr9-34646723-G-T. GRCh37 (hg19) VCF-style: chr9-34646720-G-T.
Other names: c.-184G>T (NM_001258332.2); short protein forms D7Y.
Identifiers: ClinVar variation 1353372 (VCV001353372.5), dbSNP rs1469998825, ClinGen allele CA373278218.

ClinVar aggregate classification (germline): Uncertain significance (1 of 4 stars; one submission).

Conditions:
Deficiency of UDPglucose-hexose-1-phosphate uridylyltransferase. Also called: GALACTOSE-1-PHOSPHATE URIDYLYLTRANSFERASE DEFICIENCY; GALACTOSEMIA I; Transferase Deficiency Galactosemia; GALT deficiency; Galactosemia, classic. Identifiers: Orphanet 352, Orphanet 79239, MedGen C0268151, MONDO:0009258, OMIM 230400.

Allele frequency attached by ClinVar (database versions not stated): gnomAD exomes below 0.00001.

Submission:

Labcorp Genetics (formerly Invitae), Labcorp
Classification: Uncertain significance for Deficiency of UDPglucose-hexose-1-phosphate uridylyltransferase. Last evaluated: 2022-11-03. Review status: criteria provided, single submitter. Criteria: Invitae Variant Classification Sherloc (09022015). Collection method: clinical testing. Allele origin: germline.
Comment: This sequence change replaces aspartic acid, which is acidic and polar, with tyrosine, which is neutral and polar, at codon 7 of the GALT protein (p.Asp7Tyr). This variant is present in population databases (no rsID available, gnomAD 0.006%). This variant has not been reported in the literature in individuals affected with GALT-related conditions. ClinVar contains an entry for this variant (Variation ID: 1353372). Advanced modeling of protein sequence and biophysical properties (such as structural, functional, and spatial information, amino acid conservation, physicochemical variation, residue mobility, and thermodynamic stability) performed at Invitae indicates that this missense variant is expected to disrupt GALT protein function. In summary, the available evidence is currently insufficient to determine the role of this variant in disease. Therefore, it has been classified as a Variant of Uncertain Significance.